The following is an entry in ClinVar:

NM_022132.5(MCCC2):c.1208A>C (p.Asn403Thr)

Gene: MCCC2 (methylcrotonyl-CoA carboxylase subunit 2; plus strand). Cytogenetic location: 5q13.2.
Variant type: single nucleotide variant.
Coding change: c.1208A>C on transcript NM_022132.5 (MANE Select); coding-DNA position 1208, A replaced by C.
Protein change: p.Asn403Thr; replaces asparagine 403 with threonine.
Molecular consequence: missense variant.
Genome position (GRCh38, 1-based): chr5:71,646,269, A>C. VCF-style: chr5-71646269-A-C. GRCh37 (hg19) VCF-style: chr5-70942096-A-C.
Other names: c.1094A>C, p.Asn365Thr (NM_001363147.1); short protein forms N403T, N365T.
Identifiers: ClinVar variation 2196635 (VCV002196635.9), dbSNP rs142887940, ClinGen allele CA359994654.

ClinVar aggregate classification (germline): Pathogenic/Likely pathogenic. Review status: criteria provided, multiple submitters, no conflicts (2 of 4 stars). 3 submissions from 3 submitters: Pathogenic (1); Likely pathogenic (2). Last evaluated 2025-08-19.

Conditions:
3-methylcrotonyl-CoA carboxylase 2 deficiency. Also called: METHYLCROTONYLGLYCINURIA, TYPE II; 3 alpha methylcrotonyl-CoA carboxylase 2 deficiency; 3 alpha methylcrotonylglycinuria 2; MCC 2 deficiency; Methylcrotonylglycinuria type 2. Identifiers: Orphanet 6, MedGen C1859499, MONDO:0008862, OMIM 210210.

Submissions (3):

First Genomix Gene Laboratory, Genetic Diagnostics Department
Classification: Likely pathogenic for 3-methylcrotonyl-CoA carboxylase 2 deficiency. Last evaluated: 2025-08-19. Review status: criteria provided, single submitter. Criteria: ACMG Guidelines, 2015. Collection method: clinical testing. Allele origin: germline. Inheritance: Autosomal recessive inheritance. Affected: no. Observed: 1 variant allele.

Fulgent Genetics
Classification: Likely pathogenic for 3-methylcrotonyl-CoA carboxylase 2 deficiency. Last evaluated: 2024-05-21. Review status: criteria provided, single submitter. Criteria: ACMG Guidelines, 2015. Collection method: clinical testing. Allele origin: germline.

Labcorp Genetics (formerly Invitae), Labcorp
Classification: Pathogenic for 3-methylcrotonyl-CoA carboxylase 2 deficiency. Last evaluated: 2023-09-10. Review status: criteria provided, single submitter. Criteria: Invitae Variant Classification Sherloc (09022015). Collection method: clinical testing. Allele origin: germline.
Comment: For these reasons, this variant has been classified as Pathogenic. This variant disrupts the p.Asn403 amino acid residue in MCCC2. Other variant(s) that disrupt this residue have been determined to be pathogenic (Invitae). This suggests that this residue is clinically significant, and that variants that disrupt this residue are likely to be disease-causing. Advanced modeling of protein sequence and biophysical properties (such as structural, functional, and spatial information, amino acid conservation, physicochemical variation, residue mobility, and thermodynamic stability) performed at Invitae indicates that this missense variant is expected to disrupt MCCC2 protein function. ClinVar contains an entry for this variant (Variation ID: 2196635). This variant is present in population databases (no rsID available, gnomAD 0.0009%). This missense change has been observed in individual(s) with 3-methylcrotonyl-CoA carboxylase deficiency (PMID: 16835865; Invitae). In at least one individual the data is consistent with being in trans (on the opposite chromosome) from a pathogenic variant. This sequence change replaces asparagine, which is neutral and polar, with threonine, which is neutral and polar, at codon 403 of the MCCC2 protein (p.Asn403Thr).

Literature cited by the submitters: PubMed 16835865 (cited by Labcorp Genetics (formerly Invitae), Labcorp).